The following is an entry in ClinVar:

ClinVar aggregate classification (germline): Uncertain significance (1 of 4 stars; one submission).

Conditions:
Fanconi anemia (FA). Also called: Fanconi's anemia. Identifiers: Orphanet 84, MedGen C0015625, MeSH D005199, MONDO:0019391.

Submission:

Labcorp Genetics (formerly Invitae), Labcorp
Classification: Uncertain significance for Fanconi anemia. Last evaluated: 2025-10-20. Review status: criteria provided, single submitter. Criteria: Invitae Variant Classification Sherloc (09022015). Collection method: clinical testing. Allele origin: germline.
Comment: This sequence change replaces glutamic acid, which is acidic and polar, with arginine, which is basic and polar, at codon 991 of the FANCM protein (p.Glu991Arg). Information on the frequency of this variant in the gnomAD database is not available, as this variant may be reported differently in the database. This variant has not been reported in the literature in individuals affected with FANCM-related conditions. ClinVar contains an entry for this variant (Variation ID: 1413201). An algorithm developed to predict the effect of missense changes on protein structure and function (PolyPhen-2) suggests that this variant is likely to be disruptive. In summary, the available evidence is currently insufficient to determine the role of this variant in disease. Therefore, it has been classified as a Variant of Uncertain Significance.

NM_020937.4(FANCM):c.2971_2972delinsAG (p.Glu991Arg)

Gene: FANCM (FA complementation group M; plus strand). Cytogenetic location: 14q21.2.
Variant type: Indel.
Coding change: c.2971_2972delinsAG on transcript NM_020937.4 (MANE Select); coding-DNA positions 2971 to 2972, GA replaced by AG.
Protein change: p.Glu991Arg; replaces glutamic acid 991 with arginine.
Molecular consequence: missense variant.
Genome position (GRCh38, 1-based): chr14:45,175,725-45,175,726, GA replaced by AG. VCF-style: chr14-45175725-GA-AG. GRCh37 (hg19) VCF-style: chr14-45644928-GA-AG.
Other names: c.2893_2894delinsAG, p.Glu965Arg (NM_001308133.2); short protein forms E965R, E991R.
Identifiers: ClinVar variation 1413201 (VCV001413201.6), dbSNP rs2139245094, ClinGen allele CA2573149936.